The following is an entry in ClinVar:

NM_198578.4(LRRK2):c.6218T>G (p.Ile2073Arg)

Gene: LRRK2 (leucine rich repeat kinase 2; plus strand). Cytogenetic location: 12q12.
Variant type: single nucleotide variant.
Coding change: c.6218T>G on transcript NM_198578.4 (MANE Select); coding-DNA position 6218, T replaced by G.
Protein change: p.Ile2073Arg; replaces isoleucine 2073 with arginine.
Molecular consequence: missense variant.
Genome position (GRCh38, 1-based): chr12:40,346,861, T>G. VCF-style: chr12-40346861-T-G. GRCh37 (hg19) VCF-style: chr12-40740663-T-G.
Other names: short protein forms I2073R.
Identifiers: ClinVar variation 1752244 (VCV001752244.2), dbSNP rs2499967113, ClinGen allele CA384405568.
Genomic context (GRCh38, chr12:40,346,861, plus strand): 5'-AGGCTGATGTTTATTCATTTGGTTTACTACTCTATGACATTTTGACAACTGGAGGTAGAA[T>G]AGTAGAGGGTTTGAAGTTTCCAAATGAGTTTGATGAATTAGAAATACAAGGAAAATTACC-3'
Protein context (NP_940980.4, residues 2063-2083): LYDILTTGGR[Ile2073Arg]VEGLKFPNEF

ClinVar aggregate classification (germline): Uncertain significance (1 of 4 stars; one submission).

Conditions:
Inborn genetic diseases. Identifiers: MedGen C0950123, MeSH D030342.

Submission:

Ambry Genetics
Classification: Uncertain significance for Inborn genetic diseases. Last evaluated: 2022-09-28. Review status: criteria provided, single submitter. Criteria: Ambry Variant Classification Scheme 2023. Collection method: clinical testing. Allele origin: germline.
Comment: The p.I2073R variant (also known as c.6218T>G), located in coding exon 42 of the LRRK2 gene, results from a T to G substitution at nucleotide position 6218. The isoleucine at codon 2073 is replaced by arginine, an amino acid with similar properties. This amino acid position is conserved. In addition, this alteration is predicted to be deleterious by in silico analysis. Since supporting evidence is limited at this time, the clinical significance of this alteration remains unclear.